The following is an entry in ClinVar:

NM_015215.4(CAMTA1):c.439-1G>C

Gene: CAMTA1 (calmodulin binding transcription activator 1; plus strand). Cytogenetic location: 1p36.23.
Variant type: single nucleotide variant.
Coding change: c.439-1G>C on transcript NM_015215.4 (MANE Select); the canonical splice acceptor site of the intron before coding-DNA position 439, G replaced by C.
Molecular consequence: splice acceptor variant. On other transcripts: intron variant (1).
Genome position (GRCh38, 1-based): chr1:7,467,829, G>C. VCF-style: chr1-7467829-G-C. GRCh37 (hg19) VCF-style: chr1-7527889-G-C.
Other names: c.439-1G>C (NM_001349609.2, NM_001349610.2, NM_001410737.1); c.439-172571G>C (NM_001410738.1); c.349-1G>C (NM_001349608.2, NM_001349612.2).
Identifiers: ClinVar variation 4218599 (VCV004218599.1).

ClinVar aggregate classification (germline): Uncertain significance (1 of 4 stars; one submission).

Conditions:
Inborn genetic diseases. Identifiers: MedGen C0950123, MeSH D030342.

Submission:

Ambry Genetics
Classification: Uncertain significance for Inborn genetic diseases. Last evaluated: 2025-09-04. Review status: criteria provided, single submitter. Criteria: Ambry Variant Classification Scheme 2023. Collection method: clinical testing. Allele origin: germline.
Comment: The c.439-1G>C intronic alteration consists of a G to C substitution one nucleotide before Intron 5 of the CAMTA1 gene. Alterations that disrupt the canonical splice acceptor site are typically deleterious in nature (Richards, 2015). This variant was not reported in population-based cohorts in the Genome Aggregation Database (gnomAD). This nucleotide position is highly conserved in available vertebrate species. In silico splice site analysis predicts that this alteration will weaken the native splice acceptor site. Based on insufficient or conflicting evidence, the clinical significance of this alteration remains unclear.